The following is an entry in ClinVar:

NM_001394998.1(TANC2):c.3575T>C (p.Phe1192Ser)

Genes: TANC2 (tetratricopeptide repeat, ankyrin repeat and coiled-coil containing 2; plus strand), LOC105371856 (uncharacterized LOC105371856; minus strand). Cytogenetic location: 17q23.3.
Variant type: single nucleotide variant.
Coding change: c.3575T>C on transcript NM_001394998.1 (MANE Select); coding-DNA position 3575, T replaced by C.
Protein change: p.Phe1192Ser; replaces phenylalanine 1192 with serine.
Molecular consequence: missense variant.
Genome position (GRCh38, 1-based): chr17:63,406,263, T>C. VCF-style: chr17-63406263-T-C. GRCh37 (hg19) VCF-style: chr17-61483624-T-C.
Other names: c.3353T>C, p.Phe1118Ser (NM_001411076.1, NM_025185.4); short protein forms F1118S, F1192S.
Identifiers: ClinVar variation 1800576 (VCV001800576.1), dbSNP rs2510368207, ClinGen allele CA400536077.

ClinVar aggregate classification (germline): Uncertain significance (1 of 4 stars; one submission).

Submission:

GeneDx
Classification: Uncertain significance. Last evaluated: 2022-05-16. Review status: criteria provided, single submitter. Criteria: GeneDx Variant Classification Process June 2021. Collection method: clinical testing. Allele origin: germline. Affected: yes.
Comment: Not observed at significant frequency in large population cohorts (gnomAD); In silico analysis supports that this missense variant has a deleterious effect on protein structure/function; Has not been previously published as pathogenic or benign to our knowledge